The following is an entry in ClinVar:

ClinVar aggregate classification (germline): Conflicting classifications of pathogenicity. Review status: criteria provided, conflicting classifications (1 of 4 stars). 4 submissions from 4 submitters: Uncertain significance (1); Likely benign (2). 1 of the submissions does not count toward it. Last evaluated 2025-12-15.

Conditions:
C5-related disorder. Also called: C5-related condition.

Allele frequency attached by ClinVar (database versions not stated): ESP Exome Variant Server 0.00023; 1000 Genomes Project 30x 0.00031; 1000 Genomes Project 0.00040.
gnomAD v4.1: 293 of 1,613,036 alleles (0.018%); highest among the groups gnomAD compares: Admixed American, 0.12%; no homozygotes.

Submissions (5):

Labcorp Genetics (formerly Invitae), Labcorp
Classification: Likely benign. Last evaluated: 2025-12-15. Review status: criteria provided, single submitter. Criteria: Invitae Variant Classification Sherloc (09022015). Collection method: clinical testing. Allele origin: germline.

Ambry Genetics
Classification: Uncertain significance. Last evaluated: 2025-09-04. Review status: criteria provided, single submitter. Criteria: Ambry Variant Classification Scheme 2023. Collection method: clinical testing. Allele origin: germline.

Breakthrough Genomics
Classification: Likely benign. Review status: criteria provided, single submitter. Criteria: ACMG Guidelines, 2015. Collection method: not provided. Allele origin: germline. Inheritance: Autosomal recessive inheritance. Affected: yes.

PreventionGenetics, part of Exact Sciences
Classification: Likely benign for C5-related condition. Last evaluated: 2019-06-14. Review status: no assertion criteria provided. Collection method: clinical testing. Allele origin: germline. Not counted in ClinVar's aggregate classification.
Comment: This variant is classified as likely benign based on ACMG/AMP sequence variant interpretation guidelines (Richards et al. 2015 PMID: 25741868, with internal and published modifications).

Dr. Peter K. Rogan Lab, Western University
No classification provided (evidence only). Condition: Gastric cancer. Review status: no classification provided. Collection method: in vitro. Allele origin: not applicable. Functional consequence: retained intron. Not counted in ClinVar's aggregate classification.

NM_001735.3(C5):c.1286C>A (p.Thr429Lys)

Gene: C5 (complement C5; minus strand). Cytogenetic location: 9q33.2.
Variant type: single nucleotide variant.
Coding change: c.1286C>A on transcript NM_001735.3 (MANE Select); coding-DNA position 1286, C replaced by A.
Protein change: p.Thr429Lys; replaces threonine 429 with lysine.
Molecular consequence: missense variant.
Genome position (GRCh38, 1-based): chr9:121,021,525, G>T on the plus strand (C>A on the coding strand, the complement: C5 is on the minus strand). VCF-style: chr9-121021525-G-T. GRCh37 (hg19) VCF-style: chr9-123783803-G-T.
Other names: c.1286C>A (NM_001735.2); c.1304C>A, p.Thr435Lys (NM_001317163.2); c.1286C>A, p.Thr429Lys (NM_001317164.2); short protein forms T429K, T435K.
Identifiers: ClinVar variation 1635522 (VCV001635522.13), dbSNP rs145461325, ClinGen allele CA5218125.